The following is an entry in ClinVar:

ClinVar aggregate classification (germline): Likely pathogenic (1 of 4 stars; one submission).

Conditions:
Jeune thoracic dystrophy. Also called: Short-rib thoracic dysplasia; Jeune syndrome; Infantile thoracic dystrophy; Thoracic pelvic phalangeal dystrophy; Jeune's syndrome; Chondroectodermal dysplasia-like syndrome. Identifiers: Orphanet 474, MedGen C0265275, MONDO:0018770.

gnomAD v4.1: 1 of 1,610,308 alleles (0.000062%); highest among the groups gnomAD compares: Non-Finnish European, 0.000085%; no homozygotes.

Submission:

Labcorp Genetics (formerly Invitae), Labcorp
Classification: Likely pathogenic for Jeune thoracic dystrophy. Last evaluated: 2025-07-07. Review status: criteria provided, single submitter. Criteria: Invitae Variant Classification Sherloc (09022015). Collection method: clinical testing. Allele origin: germline.
Comment: This sequence change affects an acceptor splice site in intron 88 of the DYNC2H1 gene. It is expected to disrupt RNA splicing. Variants that disrupt the donor or acceptor splice site typically lead to a loss of protein function (PMID: 16199547), and loss-of-function variants in DYNC2H1 are known to be pathogenic (PMID: 23339108, 32753734, 33755199). This variant is not present in population databases (gnomAD no frequency). This variant has not been reported in the literature in individuals affected with DYNC2H1-related conditions. ClinVar contains an entry for this variant (Variation ID: 1474551). Algorithms developed to predict the effect of sequence changes on RNA splicing suggest that this variant may disrupt the consensus splice site. In summary, the currently available evidence indicates that the variant is pathogenic, but additional data are needed to prove that conclusively. Therefore, this variant has been classified as Likely Pathogenic.

Literature cited by the submitters: PubMed 16199547; PubMed 23339108; PubMed 32753734; PubMed 33755199.

NM_001377.3(DYNC2H1):c.12649-1G>A

Gene: DYNC2H1 (dynein cytoplasmic 2 heavy chain 1; plus strand). Cytogenetic location: 11q22.3.
Variant type: single nucleotide variant.
Coding change: c.12649-1G>A on transcript NM_001377.3 (MANE Select); the canonical splice acceptor site of the intron before coding-DNA position 12649, G replaced by A.
Molecular consequence: splice acceptor variant.
Genome position (GRCh38, 1-based): chr11:103,468,588, G>A. VCF-style: chr11-103468588-G-A. GRCh37 (hg19) VCF-style: chr11-103339316-G-A.
Other names: c.12670-1G>A (NM_001080463.2).
Identifiers: ClinVar variation 1474551 (VCV001474551.8), dbSNP rs1333438254, ClinGen allele CA382289850.